The following is an entry in ClinVar:

NM_003079.5(SMARCE1):c.130A>T (p.Asn44Tyr)

Gene: SMARCE1 (SWI/SNF related BAF chromatin remodeling complex subunit E1; minus strand). Cytogenetic location: 17q21.2.
Variant type: single nucleotide variant.
Coding change: c.130A>T on transcript NM_003079.5 (MANE Select); coding-DNA position 130, A replaced by T.
Protein change: p.Asn44Tyr; replaces asparagine 44 with tyrosine.
Molecular consequence: missense variant.
Genome position (GRCh38, 1-based): chr17:40,642,481, T>A on the plus strand (A>T on the coding strand, the complement: SMARCE1 is on the minus strand). VCF-style: chr17-40642481-T-A. GRCh37 (hg19) VCF-style: chr17-38798733-T-A.
Other names: short protein forms N44Y.
Identifiers: ClinVar variation 3625091 (VCV003625091.2).

ClinVar aggregate classification (germline): Uncertain significance (1 of 4 stars; one submission).

Conditions:
Familial meningioma. Also called: Meningioma, familial, susceptibility to. Identifiers: Orphanet 263662, MedGen C3551915, MONDO:0011789, OMIM 607174.

Submission:

Labcorp Genetics (formerly Invitae), Labcorp
Classification: Uncertain significance for Familial meningioma. Last evaluated: 2024-03-20. Review status: criteria provided, single submitter. Criteria: Invitae Variant Classification Sherloc (09022015). Collection method: clinical testing. Allele origin: germline.
Comment: This sequence change replaces asparagine, which is neutral and polar, with tyrosine, which is neutral and polar, at codon 44 of the SMARCE1 protein (p.Asn44Tyr). This variant is not present in population databases (gnomAD no frequency). This variant has not been reported in the literature in individuals affected with SMARCE1-related conditions. Advanced modeling of protein sequence and biophysical properties (such as structural, functional, and spatial information, amino acid conservation, physicochemical variation, residue mobility, and thermodynamic stability) performed at Invitae indicates that this missense variant is expected to disrupt SMARCE1 protein function with a positive predictive value of 80%. In summary, the available evidence is currently insufficient to determine the role of this variant in disease. Therefore, it has been classified as a Variant of Uncertain Significance.